The following is an entry in ClinVar:

NM_007078.3(LDB3):c.1446G>A (p.Ala482=)

Gene: LDB3 (LIM domain binding 3; plus strand). Cytogenetic location: 10q23.2.
Variant type: single nucleotide variant.
Coding change: c.1446G>A on transcript NM_007078.3 (MANE Select); coding-DNA position 1446, G replaced by A.
Protein change: p.Ala482=; no amino-acid change (alanine 482 retained).
Molecular consequence: synonymous variant.
Genome position (GRCh38, 1-based): chr10:86,716,541, G>A. VCF-style: chr10-86716541-G-A. GRCh37 (hg19) VCF-style: chr10-88476298-G-A.
Other names: c.1116G>A, p.Ala372= (NM_001080114.2); c.1461G>A, p.Ala487= (NM_001171610.2); c.1257G>A, p.Ala419= (NM_001368064.1, NM_001368065.1); c.1305G>A, p.Ala435= (NM_001368066.1).
Identifiers: ClinVar variation 1054802 (VCV001054802.9), dbSNP rs745655908, ClinGen allele CA5585165.

ClinVar aggregate classification (germline): Conflicting classifications of pathogenicity. Review status: criteria provided, conflicting classifications (1 of 4 stars). 2 submissions from 2 submitters: Uncertain significance (1); Likely benign (1). Last evaluated 2026-01-14.

Conditions:
Myofibrillar myopathy 4. Also called: Zaspopathy (type). Identifiers: Orphanet 98912, MedGen C4721886, MONDO:0012277, OMIM 609452.
Cardiovascular phenotype. Identifiers: MedGen CN230736.

Allele frequency attached by ClinVar (database versions not stated): gnomAD 0.00001; gnomAD exomes 0.00001 and 0.00002; ExAC 0.00002.
gnomAD v4.1: 14 of 1,613,056 alleles (0.00087%); highest among the groups gnomAD compares: East Asian, 0.0067%; no homozygotes.

Submissions (2):

Labcorp Genetics (formerly Invitae), Labcorp
Classification: Uncertain significance for Myofibrillar myopathy 4. Last evaluated: 2026-01-14. Review status: criteria provided, single submitter. Criteria: Invitae Variant Classification Sherloc (09022015). Collection method: clinical testing. Allele origin: germline.
Comment: The LDB3 gene has multiple clinically relevant transcripts. This variant occurs in alternate transcript NM_007078.3, and corresponds to NM_001080116.1:c.*17167G>A in the primary transcript. This sequence change affects codon 482 of the LDB3 mRNA. It is a 'silent' change, meaning that it does not change the encoded amino acid sequence of the LDB3 protein. This variant is present in population databases (rs745655908, gnomAD 0.01%). This variant has not been reported in the literature in individuals affected with LDB3-related conditions. Experimental studies and prediction algorithms are not available or were not evaluated, and the effect of this variant on mRNA splicing is currently unknown. In summary, the available evidence is currently insufficient to determine the role of this variant in disease. Therefore, it has been classified as a Variant of Uncertain Significance.

Ambry Genetics
Classification: Likely benign for Cardiovascular phenotype. Last evaluated: 2022-10-14. Review status: criteria provided, single submitter. Criteria: Ambry Variant Classification Scheme 2023. Collection method: clinical testing. Allele origin: germline.